The following is an entry in ClinVar:

NM_033641.4(COL4A6):c.4217-77A>G

Gene: COL4A6 (collagen type IV alpha 6 chain; minus strand). Cytogenetic location: Xq22.3.
Variant type: single nucleotide variant.
Coding change: c.4217-77A>G on transcript NM_033641.4 (MANE Select); 77 bases into the intron before coding-DNA position 4217, A replaced by G.
Molecular consequence: intron variant.
Genome position (GRCh38, 1-based): chrX:108,161,812, T>C on the plus strand (A>G on the coding strand, the complement: COL4A6 is on the minus strand). VCF-style: chrX-108161812-T-C. GRCh37 (hg19) VCF-style: chrX-107405042-T-C.
Other names: c.4220-77A>G (NM_001847.4); c.4046-77A>G (NM_001287760.2); c.4145-77A>G (NM_001287759.2); c.4268-77A>G (NM_001287758.2).
Identifiers: ClinVar variation 682804 (VCV000682804.2), dbSNP rs41300261, ClinGen allele CA334035136.

ClinVar aggregate classification (germline): Likely benign. Review status: criteria provided, multiple submitters, no conflicts (2 of 4 stars). 2 submissions from 2 submitters: Likely benign (2). Last evaluated 2018-06-16.

Allele frequency attached by ClinVar (database versions not stated): 1000 Genomes Project 0.01325; 1000 Genomes Project 30x 0.01582; TOPMed 0.02599; gnomAD 0.02880 and 0.02918; gnomAD exomes 0.03954.
gnomAD v4.1: 24,213 of 645,076 alleles (3.8%); highest among the groups gnomAD compares: Non-Finnish European, 4.8%; 407 homozygotes.

Submissions (2):

GeneDx
Classification: Likely benign. Last evaluated: 2018-06-16. Review status: criteria provided, single submitter. Criteria: GeneDx Variant Classification (06012015). Collection method: clinical testing. Allele origin: germline. Affected: yes.
Comment: This variant is considered likely benign or benign based on one or more of the following criteria: it is a conservative change, it occurs at a poorly conserved position in the protein, it is predicted to be benign by multiple in silico algorithms, and/or has population frequency not consistent with disease.

Breakthrough Genomics
Classification: Likely benign. Review status: criteria provided, single submitter. Criteria: ACMG Guidelines, 2015. Collection method: not provided. Allele origin: germline. Inheritance: X-linked inheritance. Affected: yes.